The following is an entry in ClinVar:

ClinVar aggregate classification (germline): Uncertain significance (1 of 4 stars; one submission).

Submission:

CeGaT Center for Human Genetics Tuebingen
Classification: Uncertain significance. Last evaluated: 2025-05-01. Review status: criteria provided, single submitter. Criteria: CeGaT Center For Human Genetics Tuebingen Variant Classification Criteria Version 2. Collection method: clinical testing. Allele origin: germline. Affected: yes. Observed: 1 variant allele.
Comment: AP1G1: PM2, PVS1:Moderate

NM_001128.6(AP1G1):c.90del (p.Glu30fs)

Gene: AP1G1 (adaptor related protein complex 1 subunit gamma 1; minus strand). Cytogenetic location: 16q22.2.
Variant type: Deletion.
Coding change: c.90del on transcript NM_001128.6 (MANE Select); coding-DNA position 90, one base deleted (A; older notation c.90delA).
Protein change: p.Glu30fs; shifts the reading frame from glutamic acid 30.
Molecular consequence: frameshift variant.
Genome position (GRCh38, 1-based): chr16:71,789,390, T deleted on the plus strand (A on the coding strand, the reverse complement: AP1G1 is on the minus strand); the first of 2 consecutive T bases (chr16:71,789,390-71,789,391); deleting either gives the same sequence. VCF-style (leftmost placement, unchanged base first): chr16-71789389-AT-A. GRCh37 (hg19) VCF-style: chr16-71823292-AT-A.
Other names: c.90del, p.Glu30fs (NM_001030007.2); short protein forms E30fs.
Identifiers: ClinVar variation 3905832 (VCV003905832.10).